The following is an entry in ClinVar:

ClinVar aggregate classification (germline): Pathogenic (1 of 4 stars; one submission).

Submission:

GeneDx
Classification: Pathogenic. Last evaluated: 2017-12-28. Review status: criteria provided, single submitter. Criteria: GeneDx Variant Classification (06012015). Collection method: clinical testing. Allele origin: germline. Affected: yes.
Comment: Although the c.6450_6454delCTGCG pathogenic variant in the FBN1 gene has not been reported toour knowledge, this variant causes a shift in reading frame starting at codon cysteine 2151, changing itto a valine, and creating a premature stop codon at position 11 of the new reading frame, denotedp.Cys2151ValfsX11. This pathogenic variant is expected to result in either an abnormal, truncatedprotein product or loss of protein from this allele through nonsense-mediated mRNA decay. Multipleother frameshift variants in the FBN1 gene have been reported in the Human Gene Mutation Databasein association with Marfan syndrome (Stenson et al., 2014), indicating that loss of function is amechanism of disease for this gene. Furthermore, the c.6450_6454delCTGCG variant has not been observed in large population cohorts (Lek et al., 2016).

NM_000138.5(FBN1):c.6450_6454del (p.Cys2151fs)

Gene: FBN1 (fibrillin 1; minus strand). Cytogenetic location: 15q21.1.
Variant type: Deletion.
Coding change: c.6450_6454del on transcript NM_000138.5 (MANE Select); coding-DNA positions 6450 to 6454, 5 bases deleted (CTGCG; older notation c.6450_6454delCTGCG).
Protein change: p.Cys2151fs; shifts the reading frame from cysteine 2151.
Molecular consequence: frameshift variant.
Genome position (GRCh38, 1-based): chr15:48,437,003-48,437,007, CGCAG deleted on the plus strand (CTGCG on the coding strand, the reverse complement: FBN1 is on the minus strand); deleting any 5 consecutive bases within chr15:48,437,003-48,437,009 gives the same sequence; the c. name uses the placement nearest the transcript's 3' end. VCF-style (leftmost placement, unchanged base first): chr15-48437002-TCGCAG-T. GRCh37 (hg19) VCF-style: chr15-48729199-TCGCAG-T.
Other names: c.6450_6454delCTGCG (NM_000138.4); short protein forms C2151fs.
Identifiers: ClinVar variation 503977 (VCV000503977.2), dbSNP rs1555395193, ClinGen allele CA658798051.